The following is an entry in ClinVar:

ClinVar aggregate classification (germline): Pathogenic (1 of 4 stars; one submission).

Conditions:
Familial adenomatous polyposis 1 (FAP1). Also called: FAMILIAL ADENOMATOUS POLYPOSIS 1, ATTENUATED; POLYPOSIS, ADENOMATOUS INTESTINAL. Identifiers: MedGen C2713442, MONDO:0021056, OMIM 175100. Disease mechanism: loss of function.

Submission:

Myriad Genetics, Inc.
Classification: Pathogenic for Familial adenomatous polyposis 1. Last evaluated: 2023-05-15. Review status: criteria provided, single submitter. Criteria: Myriad Autosomal Dominant, Autosomal Recessive and X-Linked Classification Criteria (2023). Collection method: clinical testing. Allele origin: unknown.
Comment: This variant is considered pathogenic. This variant creates a termination codon and is predicted to result in premature protein truncation.

NM_000038.6(APC):c.5854C>T (p.Gln1952Ter)

Gene: APC (APC regulator of Wnt signaling pathway; plus strand). Cytogenetic location: 5q22.2.
Variant type: single nucleotide variant.
Coding change: c.5854C>T on transcript NM_000038.6 (MANE Select); coding-DNA position 5854, C replaced by T.
Protein change: p.Gln1952Ter; replaces glutamine 1952 with a stop codon.
Molecular consequence: nonsense. On other transcripts: non-coding transcript variant (2).
Genome position (GRCh38, 1-based): chr5:112,841,448, C>T. VCF-style: chr5-112841448-C-T. GRCh37 (hg19) VCF-style: chr5-112177145-C-T.
Other names: c.5854C>T, p.Gln1952Ter (NM_001127510.3, NM_001354895.2, NM_001407450.1); c.5800C>T, p.Gln1934Ter (NM_001127511.3); c.5908C>T, p.Gln1970Ter (NM_001354896.2, NM_001407447.1, NM_001407448.1 and 1 more transcripts); c.5884C>T, p.Gln1962Ter (NM_001354897.2); c.5779C>T, p.Gln1927Ter (NM_001354898.2); c.5770C>T, p.Gln1924Ter (NM_001354899.2); c.5731C>T, p.Gln1911Ter (NM_001354900.2); c.5677C>T, p.Gln1893Ter (NM_001354901.2, NM_001407453.1); and 11 more; short protein forms Q1568*, Q1669*, Q1792*, Q1823*, Q1826*, Q1851*, Q1861*, Q1869*.
Identifiers: ClinVar variation 2584250 (VCV002584250.1), dbSNP rs1166934042, ClinGen allele CA16034138.